The following is an entry in ClinVar:

NM_001008212.2(OPTN):c.682C>T (p.His228Tyr)

Gene: OPTN (optineurin; plus strand). Cytogenetic location: 10p13.
Variant type: single nucleotide variant.
Coding change: c.682C>T on transcript NM_001008212.2 (MANE Select); coding-DNA position 682, C replaced by T.
Protein change: p.His228Tyr; replaces histidine 228 with tyrosine.
Molecular consequence: missense variant.
Genome position (GRCh38, 1-based): chr10:13,118,943, C>T. VCF-style: chr10-13118943-C-T. GRCh37 (hg19) VCF-style: chr10-13160943-C-T.
Other names: c.682C>T, p.His228Tyr (NM_001008211.1, NM_001008213.1, NM_021980.4); short protein forms H228Y.
Identifiers: ClinVar variation 934500 (VCV000934500.13), dbSNP rs775448931, ClinGen allele CA5410718.

ClinVar aggregate classification (germline): Uncertain significance. Review status: criteria provided, multiple submitters, no conflicts (2 of 4 stars). 3 submissions from 3 submitters: Uncertain significance (3). Last evaluated 2025-12-21.

Conditions:
Primary open angle glaucoma (POAG). Also called: OPTN-related open angle glaucoma. Identifiers: MedGen C0339573, MONDO:0100553, OMIM 137760.
Amyotrophic lateral sclerosis type 12 (ALS12). Also called: AMYOTROPHIC LATERAL SCLEROSIS 12 WITH OR WITHOUT FRONTOTEMPORAL DEMENTIA. Identifiers: Orphanet 803, MedGen C3150692, MONDO:0013264, OMIM 613435.
Glaucoma 1, open angle, E. Identifiers: MedGen C1842026, MONDO:0007665.
Inborn genetic diseases. Identifiers: MedGen C0950123, MeSH D030342.

Allele frequency attached by ClinVar (database versions not stated): gnomAD 0.00001; TOPMed 0.00001; ExAC 0.00002; gnomAD exomes 0.00002 and 0.00004.
gnomAD v4.1: 52 of 1,613,832 alleles (0.0032%); highest among the groups gnomAD compares: Non-Finnish European, 0.0044%; 1 homozygote.

Submissions (3):

Labcorp Genetics (formerly Invitae), Labcorp
Classification: Uncertain significance for Primary open angle glaucoma; Glaucoma 1, open angle, E; Amyotrophic lateral sclerosis type 12. Last evaluated: 2025-12-21. Review status: criteria provided, single submitter. Criteria: Invitae Variant Classification Sherloc (09022015). Collection method: clinical testing. Allele origin: germline.
Comment: This sequence change replaces histidine, which is basic and polar, with tyrosine, which is neutral and polar, at codon 228 of the OPTN protein (p.His228Tyr). This variant is present in population databases (rs775448931, gnomAD 0.004%). This variant has not been reported in the literature in individuals affected with OPTN-related conditions. ClinVar contains an entry for this variant (Variation ID: 934500). Invitae Evidence Modeling of protein sequence and biophysical properties (such as structural, functional, and spatial information, amino acid conservation, physicochemical variation, residue mobility, and thermodynamic stability) indicates that this missense variant is not expected to disrupt OPTN protein function with a negative predictive value of 80%. In summary, the available evidence is currently insufficient to determine the role of this variant in disease. Therefore, it has been classified as a Variant of Uncertain Significance.

Ambry Genetics
Classification: Uncertain significance for Inborn genetic diseases. Last evaluated: 2020-11-17. Review status: criteria provided, single submitter. Criteria: Ambry Variant Classification Scheme 2023. Collection method: clinical testing. Allele origin: germline.
Comment: The p.H228Y variant (also known as c.682C>T), located in coding exon 5 of the OPTN gene, results from a C to T substitution at nucleotide position 682. The histidine at codon 228 is replaced by tyrosine, an amino acid with similar properties. This amino acid position is poorly conserved in available vertebrate species. In addition, this alteration is predicted to be tolerated by in silico analysis. Based on the supporting evidence, this variant is unlikely to be causative of autosomal dominant amyotrophic lateral sclerosis (ALS); however, its contribution to the development of autosomal recessive ALS is uncertain.

Athena Diagnostics
Classification: Uncertain significance. Last evaluated: 2020-03-17. Review status: criteria provided, single submitter. Criteria: Athena Diagnostics Criteria. Collection method: clinical testing. Allele origin: unknown.

Literature cited by the submitters: PubMed 20388642 (cited by Athena Diagnostics).